The following is an entry in ClinVar:

NM_198578.4(LRRK2):c.1132C>T (p.Leu378Phe)

Gene: LRRK2 (leucine rich repeat kinase 2; plus strand). Cytogenetic location: 12q12.
Variant type: single nucleotide variant.
Coding change: c.1132C>T on transcript NM_198578.4 (MANE Select); coding-DNA position 1132, C replaced by T.
Protein change: p.Leu378Phe; replaces leucine 378 with phenylalanine.
Molecular consequence: missense variant.
Genome position (GRCh38, 1-based): chr12:40,251,495, C>T. VCF-style: chr12-40251495-C-T. GRCh37 (hg19) VCF-style: chr12-40645297-C-T.
Other names: c.1132C>T (NM_198578.3); short protein forms L378F.
Identifiers: ClinVar variation 236287 (VCV000236287.3), dbSNP rs200870486, ClinGen allele CA6513299.
Genomic context (GRCh38, chr12:40,251,495, plus strand): 5'-GACAGATTTCTTTTTTCTCCCCTAATCCAGGAGGCCGCATGCTGGGCACTAAATAATCTC[C>T]TTATGTACCAAAACAGTTTACATGAGAAGATTGGAGATGAAGATGGCCAGTTAGTAGTTT-3'
Protein context (NP_940980.4, residues 368-388): EAACWALNNL[Leu378Phe]MYQNSLHEKI

ClinVar aggregate classification (germline): Uncertain significance. Review status: criteria provided, multiple submitters, no conflicts (2 of 4 stars). 3 submissions from 3 submitters: Uncertain significance (2). 1 of the submissions does not count toward it. Last evaluated 2023-11-13.

Conditions:
Autosomal dominant Parkinson disease 8. Also called: LRRK2-Related Parkinson Disease; Parkinson disease 8; Parkinson disease 8, susceptibility to. Identifiers: Orphanet 411602, MedGen C1846862, MONDO:0011764, OMIM 607060.

Allele frequency attached by ClinVar (database versions not stated): gnomAD 0.00001; TOPMed 0.00001; gnomAD exomes 0.00002 and 0.00005; ExAC 0.00004.
gnomAD v4.1: 31 of 1,612,594 alleles (0.0019%); highest among the groups gnomAD compares: East Asian, 0.067%; no homozygotes.

Submissions (3):

Blueprint Genetics
Classification: Uncertain significance. Last evaluated: 2023-11-13. Review status: criteria provided, single submitter. Criteria: ACMG Guidelines, 2015. Collection method: clinical testing. Allele origin: germline.

Athena Diagnostics
Classification: Uncertain significance. Last evaluated: 2023-08-25. Review status: criteria provided, single submitter. Criteria: Athena Diagnostics Criteria. Collection method: clinical testing. Allele origin: unknown.
Comment: Available data are insufficient to determine the clinical significance of the variant at this time. The frequency of this variant in the general population is uninformative in assessment of its pathogenicity. Computational tools predict that this variant is not damaging.

GeneReviews
Classification: Uncertain significance for Autosomal dominant Parkinson disease 8. Last evaluated: 2014-12-11. Review status: no assertion criteria provided. Collection method: literature only. Allele origin: germline. Affected: yes. Not counted in ClinVar's aggregate classification.

Literature cited by the submitters: PubMed 26213354 (cited by Athena Diagnostics); PubMed 24565865 (cited by Athena Diagnostics); PubMed 32677286 (cited by Athena Diagnostics); PubMed 35861376 (cited by Athena Diagnostics).